The following is an entry in ClinVar:

NM_001360016.2(G6PD):c.1285A>G (p.Lys429Glu)

Gene: G6PD (glucose-6-phosphate dehydrogenase; minus strand). Cytogenetic location: Xq28.
Variant type: single nucleotide variant.
Coding change: c.1285A>G on transcript NM_001360016.2 (MANE Select); coding-DNA position 1285, A replaced by G.
Protein change: p.Lys429Glu; replaces lysine 429 with glutamic acid.
Molecular consequence: missense variant.
Genome position (GRCh38, 1-based): chrX:154,532,569, T>C on the plus strand (A>G on the coding strand, the complement: G6PD is on the minus strand). VCF-style: chrX-154532569-T-C. GRCh37 (hg19) VCF-style: chrX-153760784-T-C.
Other names: G6PD Yucatan; c.1375A>G, p.Lys459Glu (NM_000402.4); c.1285A>G, p.Lys429Glu (NM_001042351.3); short protein forms K429E, K459E.
Identifiers: ClinVar variation 1722684 (VCV001722684.4), dbSNP rs1557229648, ClinGen allele CA415233805.

ClinVar aggregate classification (germline): Conflicting classifications of pathogenicity. Review status: criteria provided, conflicting classifications (1 of 4 stars). 2 submissions from 2 submitters: Pathogenic (1); Uncertain significance (1). Last evaluated 2025-01-03.

Conditions:
Anemia, nonspherocytic hemolytic, due to G6PD deficiency (CNSHA1). Also called: Hemolytic anemia due to G6PD deficiency; Class I glucose-6-phosphate dehydrogenase deficiency; Favism, susceptibility to; ANEMIA, CONGENITAL, NONSPHEROCYTIC HEMOLYTIC, 1. Identifiers: Orphanet 466026, MedGen C2720289, MONDO:0010480, OMIM 300908.

Allele frequency attached by ClinVar (database versions not stated): gnomAD exomes below 0.00001; TOPMed 0.00001.
gnomAD v4.1: 3 of 1,211,401 alleles (0.00025%); highest among the groups gnomAD compares: Admixed American, 0.0043%; no homozygotes.

Submissions (2):

Women's Health and Genetics/Laboratory Corporation of America, LabCorp
Classification: Uncertain significance. Last evaluated: 2025-01-03. Review status: criteria provided, single submitter. Criteria: LabCorp Variant Classification Summary - May 2015. Collection method: clinical testing. Allele origin: germline.
Comment: Variant summary: G6PD c.1375A>G (p.Lys459Glu), also called c.1285A>G (p.Lys429Glu), results in a conservative amino acid change in the encoded protein sequence. Three of five in-silico tools predict a benign effect of the variant on protein function. The variant allele was found at a frequency of 1.1e-05 in 183263 control chromosomes (gnomAD). c.1375A>G has been reported in the literature in individuals affected with Glucose 6 Phosphate Dehydrogenase Deficiency (Vaca_2003, Liu_2020). These data indicate that the variant may be associated with disease. Publications report experimental evidence evaluating an impact on protein function, finding that the variant resultes in either a modest reduction or no impact on G6PD activity (Liu_2020, Zhang_2021). The following publications have been ascertained in the context of this evaluation (PMID: 12850494, 31489982, 33708821). ClinVar contains an entry for this variant (Variation ID: 1722684). Based on the evidence outlined above, the variant was classified as VUS-possibly pathogenic.

Dunham Lab, University of Washington
Classification: Pathogenic for Anemia, nonspherocytic hemolytic, due to G6PD deficiency. Last evaluated: 2022-08-12. Review status: criteria provided, single submitter. Criteria: Bayesian ACMG Guidelines, 2018. Collection method: curation. Allele origin: maternal. Affected: yes.
Comment: Variant found in unrelated hemizygotes with deficiency (PS4_M, PP4). In one family, found in hemizygous son and heterozygous mother (PP1). Decreased activity in red blood cells (less than 15%) (PS3). Below expected carrier frequency in gnomAD (PM2). Post_P 0.994 (odds of pathogenicity 1517, Prior_P 0.1).

Literature cited by the submitters: PubMed 31489982 (cited by Women's Health and Genetics/Laboratory Corporation of America, LabCorp and Dunham Lab, University of Washington); PubMed 12850494 (cited by Women's Health and Genetics/Laboratory Corporation of America, LabCorp and Dunham Lab, University of Washington); PubMed 33708821 (cited by Women's Health and Genetics/Laboratory Corporation of America, LabCorp).